The following is an entry in ClinVar:

NM_003392.7(WNT5A):c.326G>A (p.Arg109Gln)

Gene: WNT5A (Wnt family member 5A; minus strand). Cytogenetic location: 3p14.3.
Variant type: single nucleotide variant.
Coding change: c.326G>A on transcript NM_003392.7 (MANE Select); coding-DNA position 326, G replaced by A.
Protein change: p.Arg109Gln; replaces arginine 109 with glutamine.
Molecular consequence: missense variant.
Genome position (GRCh38, 1-based): chr3:55,479,379, C>T on the plus strand (G>A on the coding strand, the complement: WNT5A is on the minus strand). VCF-style: chr3-55479379-C-T. GRCh37 (hg19) VCF-style: chr3-55513407-C-T.
Other names: c.281G>A, p.Arg94Gln (NM_001256105.1, NM_001377271.1, NM_001377272.1); short protein forms R109Q, R94Q.
Identifiers: ClinVar variation 3004607 (VCV003004607.3), dbSNP rs371892633, ClinGen allele CA2459072.

ClinVar aggregate classification (germline): Uncertain significance (1 of 4 stars; one submission).

Allele frequency attached by ClinVar (database versions not stated): gnomAD exomes below 0.00001; ExAC 0.00002; TOPMed 0.00003; gnomAD 0.00005; ESP Exome Variant Server 0.00008.

Submission:

Labcorp Genetics (formerly Invitae), Labcorp
Classification: Uncertain significance. Last evaluated: 2025-01-24. Review status: criteria provided, single submitter. Criteria: Invitae Variant Classification Sherloc (09022015). Collection method: clinical testing. Allele origin: germline.
Comment: This sequence change replaces arginine, which is basic and polar, with glutamine, which is neutral and polar, at codon 109 of the WNT5A protein (p.Arg109Gln). This variant is present in population databases (rs371892633, gnomAD 0.02%). This variant has not been reported in the literature in individuals affected with WNT5A-related conditions. ClinVar contains an entry for this variant (Variation ID: 3004607). Invitae Evidence Modeling of protein sequence and biophysical properties (such as structural, functional, and spatial information, amino acid conservation, physicochemical variation, residue mobility, and thermodynamic stability) indicates that this missense variant is not expected to disrupt WNT5A protein function with a negative predictive value of 80%. In summary, the available evidence is currently insufficient to determine the role of this variant in disease. Therefore, it has been classified as a Variant of Uncertain Significance.